The following is an entry in ClinVar:

NC_000016.10:g.(?_2039924)_(2093096_?)del

Genes: MIR1225 (microRNA 1225; minus strand), NTHL1 (nth like DNA glycosylase 1; minus strand), PKD1 (polycystin 1, transient receptor potential channel interacting; minus strand), TSC2 (TSC complex subunit 2; plus strand). Cytogenetic location: 16p13.3.
Variant type: Deletion.
Identifiers: ClinVar variation 831624 (VCV000831624.2).

ClinVar aggregate classification (germline): Pathogenic. Review status: criteria provided, single submitter (1 of 4 stars). 2 submissions from 1 submitter: Pathogenic (1). 1 of the submissions does not count toward it. Last evaluated 2020-10-05.

Conditions:
Tuberous sclerosis 2 (TSC2). Identifiers: Orphanet 805, MedGen C1860707, MONDO:0013199, OMIM 613254.

Submissions (2):

Labcorp Genetics (formerly Invitae), Labcorp
Classification: Pathogenic for Tuberous sclerosis 2. Last evaluated: 2020-10-05. Review status: criteria provided, single submitter. Criteria: Invitae Variant Classification Sherloc (09022015). Collection method: clinical testing. Allele origin: germline.
Comment: A gross deletion of the genomic region encompassing the full coding sequence of the TSC2 gene has been identified. The boundaries of this event are unknown as the deletion extends beyond the assayed region for this gene and therefore may encompass additional genes. Loss-of-function variants in TSC2 are known to be pathogenic. This particular variant has been reported in the literature in individuals affected with tuberous sclerosis complex (PMID: 17287951, 16114042). For these reasons, this variant has been classified as Pathogenic.

Labcorp Genetics (formerly Invitae), Labcorp
Classification: Pathogenic. Last evaluated: 2019-12-14. Review status: flagged submission. Criteria: Invitae Variant Classification Sherloc (09022015). Collection method: clinical testing. Allele origin: germline. Not counted in ClinVar's aggregate classification.
Comment: A gross deletion of the genomic region encompassing the full coding sequence of the NTHL1 gene has been identified. The boundaries of this event are unknown as the deletion extends beyond the assayed region for this gene and therefore may encompass additional genes. This variant has not been reported in the literature in individuals with NTHL1-related conditions. Loss-of-function variants in NTHL1 are known to be pathogenic (PMID: 25938944, 26559593). For these reasons, this variant has been classified as Pathogenic.
ClinVar note: Reason: This record appears to be redundant with a more recent record from the same submitter.
ClinVar note: Notes: SCV001195474 appears to be redundant with SCV001586191.

Literature cited by the submitters: PubMed 17287951; PubMed 16114042.